The following is an entry in ClinVar:

NM_002519.3(NPAT):c.448C>T (p.Pro150Ser)

Gene: NPAT (nuclear protein, coactivator of histone transcription; minus strand). Cytogenetic location: 11q22.3.
Variant type: single nucleotide variant.
Coding change: c.448C>T on transcript NM_002519.3 (MANE Select); coding-DNA position 448, C replaced by T.
Protein change: p.Pro150Ser; replaces proline 150 with serine.
Molecular consequence: missense variant.
Genome position (GRCh38, 1-based): chr11:108,189,214, G>A on the plus strand (C>T on the coding strand, the complement: NPAT is on the minus strand). VCF-style: chr11-108189214-G-A. GRCh37 (hg19) VCF-style: chr11-108059941-G-A.
Other names: c.448C>T, p.Pro150Ser (NM_001321307.1); short protein forms P150S.
Identifiers: ClinVar variation 1740954 (VCV001740954.4), dbSNP rs1035374602, ClinGen allele CA228401334.

ClinVar aggregate classification (germline): Conflicting classifications of pathogenicity. Review status: criteria provided, conflicting classifications (1 of 4 stars). 2 submissions from 2 submitters: Uncertain significance (1); Likely benign (1). Last evaluated 2025-10-27.

Allele frequency attached by ClinVar (database versions not stated): gnomAD 0.00002; gnomAD exomes 0.00003; TOPMed 0.00002.

Submissions (2):

Labcorp Genetics (formerly Invitae), Labcorp
Classification: Uncertain significance. Last evaluated: 2025-10-27. Review status: criteria provided, single submitter. Criteria: Invitae Variant Classification Sherloc (09022015). Collection method: clinical testing. Allele origin: germline.
Comment: This sequence change replaces proline, which is neutral and non-polar, with serine, which is neutral and polar, at codon 150 of the NPAT protein (p.Pro150Ser). This variant is not present in population databases (gnomAD no frequency). This variant has not been reported in the literature in individuals affected with NPAT-related conditions. ClinVar contains an entry for this variant (Variation ID: 1740954). An algorithm developed to predict the effect of missense changes on protein structure and function outputs the following: PolyPhen-2: "Benign". The serine amino acid residue is found in multiple mammalian species, which suggests that this missense change does not adversely affect protein function. Algorithms developed to predict the effect of sequence changes on RNA splicing suggest that this variant may create or strengthen a splice site. In summary, the available evidence is currently insufficient to determine the role of this variant in disease. Therefore, it has been classified as a Variant of Uncertain Significance.

Ambry Genetics
Classification: Likely benign. Last evaluated: 2022-09-25. Review status: criteria provided, single submitter. Criteria: Ambry Variant Classification Scheme 2023. Collection method: clinical testing. Allele origin: germline.